The following is an entry in ClinVar:

ClinVar aggregate classification (germline): Uncertain significance. Review status: criteria provided, multiple submitters, no conflicts (2 of 4 stars). 3 submissions from 3 submitters: Uncertain significance (2). 1 of the submissions does not count toward it. Last evaluated 2025-07-15.

Conditions:
Pyruvate dehydrogenase phosphatase deficiency (PDHPD). Also called: LACTIC ACIDEMIA WITH PYRUVATE DEHYDROGENASE PHOSPHATASE DEFICIENCY. Identifiers: Orphanet 79246, MedGen C1837429, MONDO:0012120, OMIM 608782.
Pyruvate dehydrogenase E1-beta deficiency (PDHBD). Identifiers: Orphanet 255138, Orphanet 765, MedGen C3279841, MONDO:0013580, OMIM 614111.
Inborn genetic diseases. Identifiers: MedGen C0950123, MeSH D030342.

Allele frequency attached by ClinVar (database versions not stated): ExAC 0.00001; gnomAD exomes 0.00001 and 0.00002; TOPMed 0.00002.

Submissions (3):

Ambry Genetics
Classification: Uncertain significance for Inborn genetic diseases. Last evaluated: 2025-07-15. Review status: criteria provided, single submitter. Criteria: Ambry Variant Classification Scheme 2023. Collection method: clinical testing. Allele origin: germline.

Labcorp Genetics (formerly Invitae), Labcorp
Classification: Uncertain significance for Pyruvate dehydrogenase E1-beta deficiency. Last evaluated: 2022-10-28. Review status: criteria provided, single submitter. Criteria: Invitae Variant Classification Sherloc (09022015). Collection method: clinical testing. Allele origin: germline.
Comment: This sequence change replaces valine, which is neutral and non-polar, with alanine, which is neutral and non-polar, at codon 261 of the PDHB protein (p.Val261Ala). This variant is present in population databases (rs761614417, gnomAD 0.009%). This variant has not been reported in the literature in individuals affected with PDHB-related conditions. ClinVar contains an entry for this variant (Variation ID: 947661). Advanced modeling of protein sequence and biophysical properties (such as structural, functional, and spatial information, amino acid conservation, physicochemical variation, residue mobility, and thermodynamic stability) performed at Invitae indicates that this missense variant is not expected to disrupt PDHB protein function. In summary, the available evidence is currently insufficient to determine the role of this variant in disease. Therefore, it has been classified as a Variant of Uncertain Significance.

Natera, Inc.
Classification: Uncertain significance for Pyruvate dehydrogenase phosphatase deficiency. Last evaluated: 2020-11-19. Review status: no assertion criteria provided. Collection method: clinical testing. Allele origin: germline. Not counted in ClinVar's aggregate classification.

NM_000925.4(PDHB):c.782T>C (p.Val261Ala)

Gene: PDHB (pyruvate dehydrogenase E1 subunit beta; minus strand). Cytogenetic location: 3p14.3.
Variant type: single nucleotide variant.
Coding change: c.782T>C on transcript NM_000925.4 (MANE Select); coding-DNA position 782, T replaced by C.
Protein change: p.Val261Ala; replaces valine 261 with alanine.
Molecular consequence: missense variant. On other transcripts: non-coding transcript variant (1).
Genome position (GRCh38, 1-based): chr3:58,429,718, A>G on the plus strand (T>C on the coding strand, the complement: PDHB is on the minus strand). VCF-style: chr3-58429718-A-G. GRCh37 (hg19) VCF-style: chr3-58415445-A-G.
Other names: c.728T>C, p.Val243Ala (NM_001173468.2, NM_001315536.2); short protein forms V243A, V261A.
Identifiers: ClinVar variation 947661 (VCV000947661.5), dbSNP rs761614417, ClinGen allele CA2471467.